The following is an entry in ClinVar:

NM_018671.5(UNC45A):c.1061T>C (p.Leu354Pro)

Gene: UNC45A (unc-45 myosin chaperone A; plus strand). Cytogenetic location: 15q26.1.
Variant type: single nucleotide variant.
Coding change: c.1061T>C on transcript NM_018671.5 (MANE Select); coding-DNA position 1061, T replaced by C.
Protein change: p.Leu354Pro; replaces leucine 354 with proline.
Molecular consequence: missense variant.
Genome position (GRCh38, 1-based): chr15:90,944,925, T>C. VCF-style: chr15-90944925-T-C. GRCh37 (hg19) VCF-style: chr15-91488155-T-C.
Other names: c.1016T>C, p.Leu339Pro (NM_001039675.2, NM_001323621.2); c.1061T>C, p.Leu354Pro (NM_001323619.1); c.626T>C, p.Leu209Pro (NM_001323620.2); short protein forms L354P, L339P, L209P.
Identifiers: ClinVar variation 4990603 (VCV004990603.1).

ClinVar aggregate classification (germline): Uncertain significance (1 of 4 stars; one submission).

Conditions:
UNC45A-related disorder. Also called: UNC45A-related condition.

gnomAD v4.1: 3 of 1,612,282 alleles (0.00019%); highest among the groups gnomAD compares: Admixed American, 0.0033%; no homozygotes.

Submission:

PreventionGenetics, part of Exact Sciences
Classification: Uncertain significance for UNC45A-related condition. Last evaluated: 2026-07-06. Review status: criteria provided, single submitter. Criteria: ACMG Guidelines, 2015. Collection method: clinical testing. Allele origin: germline.
Comment: The UNC45A c.1061T>C variant is predicted to result in the amino acid substitution p.Leu354Pro. To our knowledge, this variant has not been reported in the literature. This variant is reported in 0.0029% of alleles in individuals of Latino descent in gnomAD. At this time, the clinical significance of this variant is uncertain due to the absence of conclusive functional and genetic evidence.